The following is an entry in ClinVar:

ClinVar aggregate classification (germline): Uncertain significance (1 of 4 stars; one submission).

Conditions:
Inborn genetic diseases. Identifiers: MedGen C0950123, MeSH D030342.

Allele frequency attached by ClinVar (database versions not stated): TOPMed below 0.00001.

Submission:

Ambry Genetics
Classification: Uncertain significance for Inborn genetic diseases. Last evaluated: 2020-03-04. Review status: criteria provided, single submitter. Criteria: Ambry Variant Classification Scheme 2023. Collection method: clinical testing. Allele origin: germline.
Comment: The p.D31V variant (also known as c.92A>T), located in coding exon 1 of the GAMT gene, results from an A to T substitution at nucleotide position 92. The aspartic acid at codon 31 is replaced by valine, an amino acid with highly dissimilar properties. This amino acid position is well conserved in available vertebrate species. In addition, this alteration is predicted to be deleterious by in silico analysis. Since supporting evidence is limited at this time, the clinical significance of this alteration remains unclear.

NM_000156.6(GAMT):c.92A>T (p.Asp31Val)

Genes: GAMT (guanidinoacetate N-methyltransferase; minus strand), LOC130062945 (ATAC-STARR-seq lymphoblastoid silent region 9707; plus strand). Cytogenetic location: 19p13.3.
Variant type: single nucleotide variant.
Coding change: c.92A>T on transcript NM_000156.6 (MANE Select); coding-DNA position 92, A replaced by T.
Protein change: p.Asp31Val; replaces aspartic acid 31 with valine.
Molecular consequence: missense variant.
Genome position (GRCh38, 1-based): chr19:1,401,385, T>A on the plus strand (A>T on the coding strand, the complement: GAMT is on the minus strand). VCF-style: chr19-1401385-T-A. GRCh37 (hg19) VCF-style: chr19-1401384-T-A.
Other names: c.92A>T, p.Asp31Val (NM_138924.3); short protein forms D31V.
Identifiers: ClinVar variation 1766473 (VCV001766473.2), dbSNP rs796052531, ClinGen allele CA314844.
Genomic context (GRCh38, chr19:1,401,385, plus strand): 5'-TGCATATAGGGGGTCTCCCAGCGCTCCATCACCGGCTTGCCCAGGATGCGCAGGTGCGTG[T>A]CCGCTGCGTCGTAGGCCGCGGGCGCCGCCCCCCACGCGGGGCTGCAGTTCTCGCCGGGCG-3'
Protein context (NP_000147.1, residues 21-41): GAAPAAYDAA[Asp31Val]THLRILGKPV